The following is an entry in ClinVar:

NM_000352.6(ABCC8):c.1817+442C>T

Gene: ABCC8 (ATP binding cassette subfamily C member 8; minus strand). Cytogenetic location: 11p15.1.
Variant type: single nucleotide variant.
Coding change: c.1817+442C>T on transcript NM_000352.6 (MANE Select); 442 bases into the intron after coding-DNA position 1817, C replaced by T.
Molecular consequence: intron variant.
Genome position (GRCh38, 1-based): chr11:17,430,372, G>A on the plus strand (C>T on the coding strand, the complement: ABCC8 is on the minus strand). VCF-style: chr11-17430372-G-A. GRCh37 (hg19) VCF-style: chr11-17451919-G-A.
Other names: c.1814+442C>T (NM_001351297.2, NM_001351296.2); c.1817+442C>T (NM_001351295.2, NM_001287174.3).
Identifiers: ClinVar variation 2641644 (VCV002641644.24), dbSNP rs147864425, ClinGen allele CA218442419.

ClinVar aggregate classification (germline): Likely benign (1 of 4 stars; one submission).

Allele frequency attached by ClinVar (database versions not stated): 1000 Genomes Project 0.00280; 1000 Genomes Project 30x 0.00297; TOPMed 0.00482; gnomAD 0.00633.
gnomAD v4.1: 2,288 of 316,196 alleles (0.72%); highest among the groups gnomAD compares: Middle Eastern, 1.1%; 13 homozygotes.

Submission:

CeGaT Center for Human Genetics Tuebingen
Classification: Likely benign. Last evaluated: 2022-12-01. Review status: criteria provided, single submitter. Criteria: CeGaT Center For Human Genetics Tuebingen Variant Classification Criteria Version 2. Collection method: clinical testing. Allele origin: germline. Affected: yes. Observed: 1 variant allele.
Comment: ABCC8: BS1